The following is an entry in ClinVar:

NM_152383.5(DIS3L2):c.2231T>C (p.Met744Thr)

Gene: DIS3L2 (DIS3 like 3'-5' exoribonuclease 2; plus strand). Cytogenetic location: 2q37.1.
Variant type: single nucleotide variant.
Coding change: c.2231T>C on transcript NM_152383.5 (MANE Select); coding-DNA position 2231, T replaced by C.
Protein change: p.Met744Thr; replaces methionine 744 with threonine.
Molecular consequence: missense variant. On other transcripts: non-coding transcript variant (2), intron variant (1).
Genome position (GRCh38, 1-based): chr2:232,334,441, T>C. VCF-style: chr2-232334441-T-C. GRCh37 (hg19) VCF-style: chr2-233199151-T-C.
Other names: c.1582-8904T>C (NM_001257281.2); short protein forms M744T.
Identifiers: ClinVar variation 4698501 (VCV004698501.1).

ClinVar aggregate classification (germline): Uncertain significance (1 of 4 stars; one submission).

Conditions:
Perlman syndrome (PRLMNS). Identifiers: Orphanet 2849, MedGen C0796113, MONDO:0009965, OMIM 267000.

Submission:

Labcorp Genetics (formerly Invitae), Labcorp
Classification: Uncertain significance for Perlman syndrome. Last evaluated: 2025-02-25. Review status: criteria provided, single submitter. Criteria: Invitae Variant Classification Sherloc (09022015). Collection method: clinical testing. Allele origin: germline.
Comment: This sequence change replaces methionine, which is neutral and non-polar, with threonine, which is neutral and polar, at codon 744 of the DIS3L2 protein (p.Met744Thr). This variant is present in population databases (no rsID available, gnomAD 0.0009%). This variant has not been reported in the literature in individuals affected with DIS3L2-related conditions. Invitae Evidence Modeling of protein sequence and biophysical properties (such as structural, functional, and spatial information, amino acid conservation, physicochemical variation, residue mobility, and thermodynamic stability) indicates that this missense variant is not expected to disrupt DIS3L2 protein function with a negative predictive value of 80%. In summary, the available evidence is currently insufficient to determine the role of this variant in disease. Therefore, it has been classified as a Variant of Uncertain Significance.